The following is an entry in ClinVar:

NM_001303256.3(MORC2):c.509A>G (p.Glu170Gly)

Gene: MORC2 (MORC family CW-type zinc finger 2; minus strand). Cytogenetic location: 22q12.2.
Variant type: single nucleotide variant.
Coding change: c.509A>G on transcript NM_001303256.3 (MANE Select); coding-DNA position 509, A replaced by G.
Protein change: p.Glu170Gly; replaces glutamic acid 170 with glycine.
Molecular consequence: missense variant.
Genome position (GRCh38, 1-based): chr22:30,942,189, T>C on the plus strand (A>G on the coding strand, the complement: MORC2 is on the minus strand). VCF-style: chr22-30942189-T-C. GRCh37 (hg19) VCF-style: chr22-31338176-T-C.
Other names: c.509A>G, p.Glu170Gly (NM_001303257.2); c.323A>G, p.Glu108Gly (NM_014941.3); short protein forms E170G, E108G.
Identifiers: ClinVar variation 960873 (VCV000960873.10), dbSNP rs1457131129, ClinGen allele CA411243784.

ClinVar aggregate classification (germline): Uncertain significance (1 of 4 stars; one submission).

Conditions:
Charcot-Marie-Tooth disease axonal type 2Z. Also called: CHARCOT-MARIE-TOOTH DISEASE, AXONAL, AUTOSOMAL DOMINANT, TYPE 2Z; CHARCOT-MARIE-TOOTH NEUROPATHY, TYPE 2Z. Identifiers: Orphanet 466768, MedGen C5569025, MONDO:0014736, OMIM 616688.

Allele frequency attached by ClinVar (database versions not stated): gnomAD exomes below 0.00001; gnomAD 0.00001; TOPMed 0.00001.
gnomAD v4.1: 2 of 1,614,078 alleles (0.00012%); highest among the groups gnomAD compares: African/African-American, 0.0013%; no homozygotes.

Submission:

Labcorp Genetics (formerly Invitae), Labcorp
Classification: Uncertain significance for Charcot-Marie-Tooth disease axonal type 2Z. Last evaluated: 2022-08-21. Review status: criteria provided, single submitter. Criteria: Invitae Variant Classification Sherloc (09022015). Collection method: clinical testing. Allele origin: germline.
Comment: This sequence change replaces glutamic acid, which is acidic and polar, with glycine, which is neutral and non-polar, at codon 170 of the MORC2 protein (p.Glu170Gly). This variant is present in population databases (no rsID available, gnomAD 0.007%). This variant has not been reported in the literature in individuals affected with MORC2-related conditions. ClinVar contains an entry for this variant (Variation ID: 960873). Advanced modeling of protein sequence and biophysical properties (such as structural, functional, and spatial information, amino acid conservation, physicochemical variation, residue mobility, and thermodynamic stability) performed at Invitae indicates that this missense variant is expected to disrupt MORC2 protein function. In summary, the available evidence is currently insufficient to determine the role of this variant in disease. Therefore, it has been classified as a Variant of Uncertain Significance.